The following is an entry in ClinVar:

NM_000051.4(ATM):c.8319T>C (p.Thr2773=)

Genes: ATM (ATM serine/threonine kinase; plus strand), C11orf65 (chromosome 11 open reading frame 65; minus strand). Cytogenetic location: 11q22.3.
Variant type: single nucleotide variant.
Coding change: c.8319T>C on transcript NM_000051.4 (MANE Select); coding-DNA position 8319, T replaced by C.
Protein change: p.Thr2773=; no amino-acid change (threonine 2773 retained).
Molecular consequence: synonymous variant. On other transcripts: intron variant (2).
Genome position (GRCh38, 1-based): chr11:108,343,272, T>C. VCF-style: chr11-108343272-T-C. GRCh37 (hg19) VCF-style: chr11-108213999-T-C.
Other names: c.8319T>C, p.Thr2773= (NM_001351834.2); c.641-34201A>G (NM_001330368.2); c.695-7980A>G (NM_001351110.2).
Identifiers: ClinVar variation 744212 (VCV000744212.12), dbSNP rs1591248170, ClinGen allele CA476672611.

ClinVar aggregate classification (germline): Benign/Likely benign. Review status: criteria provided, multiple submitters, no conflicts (2 of 4 stars). 3 submissions from 3 submitters: Benign (1); Likely benign (2). Last evaluated 2024-08-05.

Conditions:
Familial cancer of breast. Also called: Hereditary breast cancer; BREAST CANCER, FAMILIAL; hereditary breast carcinoma. Identifiers: Orphanet 227535, MedGen C0346153, MONDO:0016419, OMIM 114480. Disease mechanism: loss of function.
Hereditary cancer-predisposing syndrome. Also called: Tumor predisposition; Hereditary neoplastic syndrome; Neoplastic Syndromes, Hereditary; Hereditary Cancer Syndrome. Identifiers: Orphanet 140162, MedGen C0027672, MeSH D009386, MONDO:0015356.
Ataxia-telangiectasia syndrome (AT). Also called: Ataxia-telangiectasia, complementation group D; AT, COMPLEMENTATION GROUP C; ATAXIA-TELANGIECTASIA, COMPLEMENTATION GROUP A; ATAXIA-TELANGIECTASIA, FRESNO VARIANT; Ataxia-telangiectasia; LOUIS-BAR SYNDROME. Identifiers: Orphanet 100, MedGen C0004135, MONDO:0008840, OMIM 208900.

Submissions (3):

Labcorp Genetics (formerly Invitae), Labcorp
Classification: Likely benign for Ataxia-telangiectasia syndrome. Last evaluated: 2024-08-05. Review status: criteria provided, single submitter. Criteria: Invitae Variant Classification Sherloc (09022015). Collection method: clinical testing. Allele origin: germline.

Myriad Genetics, Inc.
Classification: Benign for Familial cancer of breast. Last evaluated: 2024-06-19. Review status: criteria provided, single submitter. Criteria: Myriad Autosomal Dominant, Autosomal Recessive and X-Linked Classification Criteria (2023). Collection method: clinical testing. Allele origin: unknown.
Comment: This variant is considered benign. This variant is a silent/synonymous amino acid change and it is not expected to impact splicing.

Ambry Genetics
Classification: Likely benign for Hereditary cancer-predisposing syndrome. Last evaluated: 2023-01-31. Review status: criteria provided, single submitter. Criteria: Ambry Variant Classification Scheme 2023. Collection method: clinical testing. Allele origin: germline.